The following is an entry in ClinVar:

ClinVar aggregate classification (germline): Benign/Likely benign. Review status: criteria provided, multiple submitters, no conflicts (2 of 4 stars). 3 submissions from 3 submitters: Benign (1); Likely benign (1). 1 of the submissions does not count toward it. Last evaluated 2025-07-31.

Conditions:
JAG2-related disorder. Also called: JAG2-related condition.

Allele frequency attached by ClinVar (database versions not stated): gnomAD exomes 0.00038 and 0.00096; ExAC 0.00275; gnomAD 0.00407 and 0.00439; ESP Exome Variant Server 0.00426; TOPMed 0.00444; 1000 Genomes Project 0.00459; 1000 Genomes Project 30x 0.00515.
gnomAD v4.1: 1,194 of 1,567,848 alleles (0.076%); highest among the groups gnomAD compares: African/African-American, 1.4%; 8 homozygotes.

Submissions (9):

Mayo Clinic Laboratories, Mayo Clinic
Classification: Likely benign. Last evaluated: 2025-07-31. Review status: criteria provided, single submitter. Criteria: ACMG Guidelines, 2015. Collection method: clinical testing. Allele origin: germline. Observed: 2 variant alleles.
Comment: BS2, BP4, BP7

Labcorp Genetics (formerly Invitae), Labcorp
Classification: Benign. Last evaluated: 2018-04-20. Review status: criteria provided, single submitter. Criteria: Invitae Variant Classification Sherloc (09022015). Collection method: clinical testing. Allele origin: germline.

PreventionGenetics, part of Exact Sciences
Classification: Likely benign for JAG2-related condition. Last evaluated: 2019-04-24. Review status: no assertion criteria provided. Collection method: clinical testing. Allele origin: germline. Not counted in ClinVar's aggregate classification.
Comment: This variant is classified as likely benign based on ACMG/AMP sequence variant interpretation guidelines (Richards et al. 2015 PMID: 25741868, with internal and published modifications).

Dr. Peter K. Rogan Lab, Western University
No classification provided (evidence only). Condition: Colon adenocarcinoma. Review status: no classification provided. Collection method: in vitro. Allele origin: not applicable. Functional consequence: retained intron. Not counted in ClinVar's aggregate classification.

Dr. Peter K. Rogan Lab, Western University
No classification provided (evidence only). Condition: Uterine corpus endometrial carcinoma. Review status: no classification provided. Collection method: in vitro. Allele origin: not applicable. Functional consequence: retained intron. Not counted in ClinVar's aggregate classification.

Dr. Peter K. Rogan Lab, Western University
No classification provided (evidence only). Condition: Cervical cancer. Review status: no classification provided. Collection method: in vitro. Allele origin: not applicable. Functional consequence: retained intron. Not counted in ClinVar's aggregate classification.

Dr. Peter K. Rogan Lab, Western University
No classification provided (evidence only). Condition: Cervical cancer. Review status: no classification provided. Collection method: in vitro. Allele origin: not applicable. Functional consequence: retained intron. Not counted in ClinVar's aggregate classification.

Dr. Peter K. Rogan Lab, Western University
No classification provided (evidence only). Condition: Cervical cancer. Review status: no classification provided. Collection method: in vitro. Allele origin: not applicable. Functional consequence: retained intron. Not counted in ClinVar's aggregate classification.

Dr. Peter K. Rogan Lab, Western University
No classification provided (evidence only). Condition: Sarcoma. Review status: no classification provided. Collection method: in vitro. Allele origin: not applicable. Functional consequence: retained intron. Not counted in ClinVar's aggregate classification.

NM_002226.5(JAG2):c.3219T>G (p.Val1073=)

Gene: JAG2 (jagged canonical Notch ligand 2; minus strand). Cytogenetic location: 14q32.33.
Variant type: single nucleotide variant.
Coding change: c.3219T>G on transcript NM_002226.5 (MANE Select); coding-DNA position 3219, T replaced by G.
Protein change: p.Val1073=; no amino-acid change (valine 1073 retained).
Molecular consequence: synonymous variant.
Genome position (GRCh38, 1-based): chr14:105,143,504, A>C on the plus strand (T>G on the coding strand, the complement: JAG2 is on the minus strand). VCF-style: chr14-105143504-A-C. GRCh37 (hg19) VCF-style: chr14-105609841-A-C.
Other names: NC_000014.8:g.105609841A>C; p.Val1073=; c.3105T>G, p.Val1035= (NM_145159.3).
Identifiers: ClinVar variation 785472 (VCV000785472.7), dbSNP rs146366402, ClinGen allele CA7385284.